The following is an entry in ClinVar:

NM_005739.4(RASGRP1):c.2368C>T (p.Gln790Ter)

Gene: RASGRP1 (RAS guanyl releasing protein 1; minus strand). Cytogenetic location: 15q14.
Variant type: single nucleotide variant.
Coding change: c.2368C>T on transcript NM_005739.4 (MANE Select); coding-DNA position 2368, C replaced by T.
Protein change: p.Gln790Ter; replaces glutamine 790 with a stop codon.
Molecular consequence: nonsense. On other transcripts: 3 prime UTR variant (1).
Genome position (GRCh38, 1-based): chr15:38,490,580, G>A on the plus strand (C>T on the coding strand, the complement: RASGRP1 is on the minus strand). VCF-style: chr15-38490580-G-A. GRCh37 (hg19) VCF-style: chr15-38782781-G-A.
Other names: c.2263C>T, p.Gln755Ter (NM_001128602.2); c.*83C>T (NM_001306086.2); short protein forms Q790*, Q755*.
Identifiers: ClinVar variation 1349434 (VCV001349434.3), dbSNP rs868410294, ClinGen allele CA268726331.

ClinVar aggregate classification (germline): Uncertain significance (1 of 4 stars; one submission).

Allele frequency attached by ClinVar (database versions not stated): gnomAD exomes below 0.00001.
gnomAD v4.1: 3 of 1,609,840 alleles (0.00019%); highest among the groups gnomAD compares: Middle Eastern, 0.017%; no homozygotes.

Submission:

Labcorp Genetics (formerly Invitae), Labcorp
Classification: Uncertain significance. Last evaluated: 2021-11-04. Review status: criteria provided, single submitter. Criteria: Invitae Variant Classification Sherloc (09022015). Collection method: clinical testing. Allele origin: germline.
Comment: This sequence change creates a premature translational stop signal (p.Gln790*) in the RASGRP1 gene. While this is not anticipated to result in nonsense mediated decay, it is expected to disrupt the last 8 amino acid(s) of the RASGRP1 protein. This variant is not present in population databases (gnomAD no frequency). This variant has not been reported in the literature in individuals affected with RASGRP1-related conditions. In summary, the available evidence is currently insufficient to determine the role of this variant in disease. Therefore, it has been classified as a Variant of Uncertain Significance.